The following is an entry in ClinVar:

ClinVar aggregate classification (germline): Uncertain significance (1 of 4 stars; one submission).

Conditions:
Hypoplastic enamel-onycholysis-hypohidrosis syndrome (TNS). Also called: WITKOP SYNDROME; ECTODERMAL DYSPLASIA 3, TOOTH/NAIL TYPE; ECTODERMAL DYSPLASIA 3, WITKOP TYPE; Tooth-and-Nail Syndrome; NAIL DYSPLASIA WITH HYPODONTIA. Identifiers: Orphanet 2228, MedGen C0406735, MONDO:0008582, OMIM 189500.

gnomAD v4.1: 1 of 1,495,554 alleles (0.000067%); highest among the groups gnomAD compares: Non-Finnish European, 0.000089%; no homozygotes.

Submission:

Labcorp Genetics (formerly Invitae), Labcorp
Classification: Uncertain significance for Hypoplastic enamel-onycholysis-hypohidrosis syndrome. Last evaluated: 2020-02-18. Review status: criteria provided, single submitter. Criteria: Invitae Variant Classification Sherloc (09022015). Collection method: clinical testing. Allele origin: germline.
Comment: This sequence change replaces serine with arginine at codon 34 of the MSX1 protein (p.Ser34Arg). The serine residue is weakly conserved and there is a moderate physicochemical difference between serine and arginine. While this variant is not present in population databases, the frequency information is unreliable, as metrics indicate poor data quality at this position in the ExAC database. This variant has not been reported in the literature in individuals with MSX1-related disease. Algorithms developed to predict the effect of missense changes on protein structure and function (SIFT, PolyPhen-2, Align-GVGD) all suggest that this variant is likely to be tolerated, but these predictions have not been confirmed by published functional studies and their clinical significance is uncertain. In summary, the available evidence is currently insufficient to determine the role of this variant in disease. Therefore, it has been classified as a Variant of Uncertain Significance.

NM_002448.3(MSX1):c.102C>G (p.Ser34Arg)

Genes: MSX1 (msh homeobox 1; plus strand), LOC129992137 (ATAC-STARR-seq lymphoblastoid silent region 15219; plus strand). Cytogenetic location: 4p16.2.
Variant type: single nucleotide variant.
Coding change: c.102C>G on transcript NM_002448.3 (MANE Select); coding-DNA position 102, C replaced by G.
Protein change: p.Ser34Arg; replaces serine 34 with arginine.
Molecular consequence: missense variant.
Genome position (GRCh38, 1-based): chr4:4,860,001, C>G. VCF-style: chr4-4860001-C-G. GRCh37 (hg19) VCF-style: chr4-4861728-C-G.
Other names: short protein forms S34R.
Identifiers: ClinVar variation 647201 (VCV000647201.9), dbSNP rs1349964186, ClinGen allele CA356137156.